The following is an entry in ClinVar:

NM_000288.4(PEX7):c.188+1G>A

Gene: PEX7 (peroxisomal biogenesis factor 7; plus strand). Cytogenetic location: 6q23.3.
Variant type: single nucleotide variant.
Coding change: c.188+1G>A on transcript NM_000288.4 (MANE Select); the canonical splice donor site of the intron after coding-DNA position 188, G replaced by A.
Molecular consequence: splice donor variant.
Genome position (GRCh38, 1-based): chr6:136,825,272, G>A. VCF-style: chr6-136825272-G-A. GRCh37 (hg19) VCF-style: chr6-137146410-G-A.
Other names: c.74+1G>A (NM_001410945.1).
Identifiers: ClinVar variation 813363 (VCV000813363.12), dbSNP rs267608254, ClinGen allele CA148641045.
Genomic context (GRCh38, chr6:136,825,272, plus strand): 5'-AGGCTGTGGAACCCTACTAATATTGGATCCAGATGAAGCTGGGCTAAGGCTTTTTAGAAG[G>A]TAAGGGGGCTGAAATTATTAAAGGTATATATTGTTGCTATTAAAGCCTTAATAGAATTAG-3'

ClinVar aggregate classification (germline): Pathogenic/Likely pathogenic. Review status: criteria provided, multiple submitters, no conflicts (2 of 4 stars). 5 submissions from 5 submitters: Pathogenic (3); Likely pathogenic (2). Last evaluated 2025-10-21.

Conditions:
Rhizomelic chondrodysplasia punctata type 1 (RCDP1). Also called: PEROXISOME BIOGENESIS DISORDER 9; CHONDRODYSTROPHIA CALCIFICANS PUNCTATA; PEX7-Related Rhizomelic Chondrodysplasia Punctata. Identifiers: Orphanet 177, Orphanet 309789, MedGen C1859133, MONDO:0008972, OMIM 215100. Disease mechanism: loss of function.
Peroxisome biogenesis disorder 9B. Also called: PEROXISOME BIOGENESIS DISORDER, PEX7-RELATED, ATYPICAL; PEX7-Related Refsum Disease; Refsum disease, adult, 2. Identifiers: Orphanet 773, MedGen C2749346, MONDO:0013945, OMIM 614879.
Rhizomelic chondrodysplasia punctata (RCDP). Identifiers: Orphanet 177, MedGen C0282529, MONDO:0015776. Disease mechanism: loss of function.

gnomAD v4.1: 2 of 1,609,744 alleles (0.00012%); highest among the groups gnomAD compares: Admixed American, 0.0017%; no homozygotes.

Submissions (5):

Natera, Inc.
Classification: Pathogenic for Rhizomelic Chondrodysplasia Punctata. Last evaluated: 2025-10-21. Review status: criteria provided, single submitter. Criteria: Natera Variant Classification Schema (03/2026). Collection method: clinical testing. Allele origin: germline.
Comment: The c.188+1G>A variant in PEX7 is a canonical splice donor site variant predicted to affect pre-mRNA splicing, which may result in an abnormal transcript and altered protein product. This variant is expected to result in nonsense mediated decay, truncation, or a dysfunctional protein product. This variant is rare in the general population with a frequency below the threshold expected for the associated phenotype(s). Another variant at this same site results in an alteration predicted to cause a similar molecular effect has been observed in individual(s) with the associated phenotype. Given the available evidence, this variant is classified as Pathogenic.

Labcorp Genetics (formerly Invitae), Labcorp
Classification: Pathogenic for Peroxisome biogenesis disorder 9B. Last evaluated: 2025-04-22. Review status: criteria provided, single submitter. Criteria: Invitae Variant Classification Sherloc (09022015). Collection method: clinical testing. Allele origin: germline.
Comment: This sequence change affects a donor splice site in intron 2 of the PEX7 gene. It is expected to disrupt RNA splicing. Variants that disrupt the donor or acceptor splice site typically lead to a loss of protein function (PMID: 16199547), and loss-of-function variants in PEX7 are known to be pathogenic (PMID: 12325024, 12522768, 20301447). This variant is not present in population databases (gnomAD no frequency). Disruption of this splice site has been observed in individuals with clinical features of rhizomelic chondrodysplasia punctata (PMID: 12325024; internal data). ClinVar contains an entry for this variant (Variation ID: 813363). Algorithms developed to predict the effect of sequence changes on RNA splicing suggest that this variant may disrupt the consensus splice site. For these reasons, this variant has been classified as Pathogenic.

Fulgent Genetics
Classification: Likely pathogenic for Rhizomelic chondrodysplasia punctata type 1; Peroxisome biogenesis disorder 9B. Last evaluated: 2024-03-12. Review status: criteria provided, single submitter. Criteria: ACMG Guidelines, 2015. Collection method: clinical testing. Allele origin: germline.

Women's Health and Genetics/Laboratory Corporation of America, LabCorp
Classification: Likely pathogenic for Rhizomelic chondrodysplasia punctata type 1. Last evaluated: 2023-01-01. Review status: criteria provided, single submitter. Criteria: LabCorp Variant Classification Summary - May 2015. Collection method: clinical testing. Allele origin: germline.
Comment: Variant summary: PEX7 c.188+1G>A is located in a canonical splice-site and is predicted to affect mRNA splicing resulting in a significantly altered protein due to either exon skipping, shortening, or inclusion of intronic material. Several computational tools predict a significant impact on normal splicing: Four predict the variant abolishes a canonical 5' splicing donor site. However, these predictions have yet to be confirmed by functional studies. The variant was absent in 251450 control chromosomes. To our knowledge, no occurrence of c.188+1G>A in individuals affected with Rhizomelic Chondrodysplasia Punctata Type 1 and no experimental evidence demonstrating its impact on protein function have been reported. No clinical diagnostic laboratories have submitted clinical-significance assessments for this variant to ClinVar after 2014. Based on the evidence outlined above, the variant was classified as likely pathogenic.

Baylor Genetics
Classification: Pathogenic for Rhizomelic chondrodysplasia punctata type 1. Review status: criteria provided, single submitter. Criteria: ACMG Guidelines, 2015. Collection method: clinical testing. Allele origin: germline.

Literature cited by the submitters: PubMed 16199547 (cited by Labcorp Genetics (formerly Invitae), Labcorp); PubMed 12325024 (cited by Labcorp Genetics (formerly Invitae), Labcorp); PubMed 12522768 (cited by Labcorp Genetics (formerly Invitae), Labcorp); PubMed 20301447 (cited by Labcorp Genetics (formerly Invitae), Labcorp).